The following is an entry in ClinVar:

NM_006031.6(PCNT):c.7347G>A (p.Trp2449Ter)

Gene: PCNT (pericentrin; plus strand). Cytogenetic location: 21q22.3.
Variant type: single nucleotide variant.
Coding change: c.7347G>A on transcript NM_006031.6 (MANE Select); coding-DNA position 7347, G replaced by A.
Protein change: p.Trp2449Ter; replaces tryptophan 2449 with a stop codon.
Molecular consequence: nonsense.
Genome position (GRCh38, 1-based): chr21:46,427,648, G>A. VCF-style: chr21-46427648-G-A. GRCh37 (hg19) VCF-style: chr21-47847562-G-A.
Other names: c.6993G>A, p.Trp2331Ter (NM_001315529.2); short protein forms W2331*, W2449*.
Identifiers: ClinVar variation 2803233 (VCV002803233.3), dbSNP rs2087565101, ClinGen allele CA410568644.
Genomic context (GRCh38, chr21:46,427,648, plus strand): 5'-GTGAGGACGCCACGTTTCTTCCTTCTTCCTTTAGGAAGTGCCCACCGCGTGCCCCGATTG[G>A]AGAGGGGACCTTCTGCAGGTTGTGCAAGAGGCCTTTGAAAAAGAGCAGGAGATGCAGGGG-3'

ClinVar aggregate classification (germline): Pathogenic (1 of 4 stars; one submission).

Submission:

Labcorp Genetics (formerly Invitae), Labcorp
Classification: Pathogenic. Last evaluated: 2023-05-27. Review status: criteria provided, single submitter. Criteria: Invitae Variant Classification Sherloc (09022015). Collection method: clinical testing. Allele origin: germline.
Comment: For these reasons, this variant has been classified as Pathogenic. Algorithms developed to predict the effect of sequence changes on RNA splicing suggest that this variant may create or strengthen a splice site. This variant has not been reported in the literature in individuals affected with PCNT-related conditions. This variant is not present in population databases (gnomAD no frequency). This sequence change creates a premature translational stop signal (p.Trp2449*) in the PCNT gene. It is expected to result in an absent or disrupted protein product. Loss-of-function variants in PCNT are known to be pathogenic (PMID: 18174396, 22821869).

Literature cited by the submitters: PubMed 18174396; PubMed 22821869.